The following is an entry in ClinVar:

ClinVar aggregate classification (germline): Uncertain significance. Review status: criteria provided, multiple submitters, no conflicts (2 of 4 stars). 2 submissions from 2 submitters: Uncertain significance (2). Last evaluated 2024-01-23.

Conditions:
Autosomal dominant nonsyndromic hearing loss 1. Also called: KONIGSMARK SYNDROME; DEAFNESS, AUTOSOMAL DOMINANT 1, WITH OR WITHOUT THROMBOCYTOPENIA. Identifiers: Orphanet 90635, MedGen C1852282, MONDO:0007424, OMIM 124900.
Progressive microcephaly-seizures-cortical blindness-developmental delay syndrome. Also called: Seizures, cortical blindness, and microcephaly syndrome. Identifiers: Orphanet 477814, MedGen C5567650, MONDO:0014714, OMIM 616632.

gnomAD v4.1: 4 of 1,539,010 alleles (0.00026%); highest among the groups gnomAD compares: African/African-American, 0.0029%; no homozygotes.

Submissions (2):

Labcorp Genetics (formerly Invitae), Labcorp
Classification: Uncertain significance for Progressive microcephaly-seizures-cortical blindness-developmental delay syndrome; Autosomal dominant nonsyndromic hearing loss 1. Last evaluated: 2024-01-23. Review status: criteria provided, single submitter. Criteria: Invitae Variant Classification Sherloc (09022015). Collection method: clinical testing. Allele origin: germline.
Comment: This sequence change replaces isoleucine, which is neutral and non-polar, with valine, which is neutral and non-polar, at codon 639 of the DIAPH1 protein (p.Ile639Val). This variant is not present in population databases (gnomAD no frequency). This variant has not been reported in the literature in individuals affected with DIAPH1-related conditions. ClinVar contains an entry for this variant (Variation ID: 1403451). Algorithms developed to predict the effect of missense changes on protein structure and function output the following: SIFT: "Not Available"; PolyPhen-2: "Not Available"; Align-GVGD: "Not Available". The valine amino acid residue is found in multiple mammalian species, which suggests that this missense change does not adversely affect protein function. In summary, the available evidence is currently insufficient to determine the role of this variant in disease. Therefore, it has been classified as a Variant of Uncertain Significance.

GeneDx
Classification: Uncertain significance. Last evaluated: 2022-11-29. Review status: criteria provided, single submitter. Criteria: GeneDx Variant Classification Process June 2021. Collection method: clinical testing. Allele origin: germline. Affected: yes.
Comment: Not observed at significant frequency in large population cohorts (gnomAD); In silico analysis supports that this missense variant does not alter protein structure/function; Has not been previously published as pathogenic or benign to our knowledge

NM_005219.5(DIAPH1):c.1915A>G (p.Ile639Val)

Gene: DIAPH1 (diaphanous related formin 1; minus strand). Cytogenetic location: 5q31.3.
Variant type: single nucleotide variant.
Coding change: c.1915A>G on transcript NM_005219.5 (MANE Select); coding-DNA position 1915, A replaced by G.
Protein change: p.Ile639Val; replaces isoleucine 639 with valine.
Molecular consequence: missense variant.
Genome position (GRCh38, 1-based): chr5:141,573,935, T>C on the plus strand (A>G on the coding strand, the complement: DIAPH1 is on the minus strand). VCF-style: chr5-141573935-T-C. GRCh37 (hg19) VCF-style: chr5-140953502-T-C.
Other names: c.1888A>G, p.Ile630Val (NM_001079812.3); c.1915A>G, p.Ile639Val (NM_001314007.2); c.1915A>G (NM_005219.4); short protein forms I630V, I639V.
Identifiers: ClinVar variation 1403451 (VCV001403451.6), dbSNP rs781398463, ClinGen allele CA361520075.